The following is an entry in ClinVar:

NM_005422.4(TECTA):c.5239C>G (p.Leu1747Val)

Genes: TBCEL-TECTA (TBCEL-TECTA readthrough; plus strand), TECTA (tectorin alpha; plus strand). Cytogenetic location: 11q23.3.
Variant type: single nucleotide variant.
Coding change: c.5239C>G on transcript NM_005422.4 (MANE Select); coding-DNA position 5239, C replaced by G.
Protein change: p.Leu1747Val; replaces leucine 1747 with valine.
Molecular consequence: missense variant.
Genome position (GRCh38, 1-based): chr11:121,162,337, C>G. VCF-style: chr11-121162337-C-G. GRCh37 (hg19) VCF-style: chr11-121033046-C-G.
Other names: c.6181C>G, p.Leu2061Val (NM_001378761.1); short protein forms L2061V, L1747V.
Identifiers: ClinVar variation 2752407 (VCV002752407.4), dbSNP rs776398220, ClinGen allele CA6327680.

ClinVar aggregate classification (germline): Uncertain significance. Review status: criteria provided, multiple submitters, no conflicts (2 of 4 stars). 2 submissions from 2 submitters: Uncertain significance (2). Last evaluated 2023-12-15.

Allele frequency attached by ClinVar (database versions not stated): gnomAD exomes below 0.00001; TOPMed below 0.00001; ExAC 0.00001.
gnomAD v4.1: 7 of 1,613,646 alleles (0.00043%); highest among the groups gnomAD compares: East Asian, 0.0022%; no homozygotes.

Submissions (2):

Labcorp Genetics (formerly Invitae), Labcorp
Classification: Uncertain significance. Last evaluated: 2023-12-15. Review status: criteria provided, single submitter. Criteria: Invitae Variant Classification Sherloc (09022015). Collection method: clinical testing. Allele origin: germline.
Comment: This sequence change replaces leucine, which is neutral and non-polar, with valine, which is neutral and non-polar, at codon 1747 of the TECTA protein (p.Leu1747Val). This variant is present in population databases (rs776398220, gnomAD 0.003%). This variant has not been reported in the literature in individuals affected with TECTA-related conditions. Advanced modeling of protein sequence and biophysical properties (such as structural, functional, and spatial information, amino acid conservation, physicochemical variation, residue mobility, and thermodynamic stability) performed at Invitae indicates that this missense variant is not expected to disrupt TECTA protein function with a negative predictive value of 95%. In summary, the available evidence is currently insufficient to determine the role of this variant in disease. Therefore, it has been classified as a Variant of Uncertain Significance.

Blueprint Genetics
Classification: Uncertain significance. Last evaluated: 2022-11-29. Review status: criteria provided, single submitter. Criteria: ACMG Guidelines, 2015. Collection method: clinical testing. Allele origin: germline.